The following is an entry in ClinVar:

NM_024334.2(TMEM43):c.83_87delinsAGGA (p.Arg28fs)

Gene: TMEM43 (transmembrane protein 43; plus strand). Cytogenetic location: 3p25.1.
Variant type: Indel.
Coding change: c.83_87delinsAGGA on transcript NM_024334.2; coding-DNA positions 83 to 87, GGCTG replaced by AGGA.
Protein change: p.Arg28fs; shifts the reading frame from arginine 28.
Genome position (GRCh38, 1-based): chr3:14,129,482-14,129,486, GGCTG replaced by AGGA. VCF-style: chr3-14129482-GGCTG-AGGA. GRCh37 (hg19) VCF-style: chr3-14170982-GGCTG-AGGA.
Other names: c.83_87delinsAGGA, p.Arg28fs (LRG_435t1).
Identifiers: ClinVar variation 202135 (VCV000202135.1), dbSNP rs794729182, ClinGen allele CA024769.
Genomic context (GRCh38, chr3:14,129,482, plus strand): 5'-CCAGTACCCGGAGAGAACATGTCAAAGTTAAAACCAGCTCCCAGCCAGGCTTCCTGGAAC[GGCTG>AGGA]AGCGAGACCTCGGGTGGGATGTTTGTGGGGCTCATGGCCTTCCTGCTCTCCTTCTACCTA-3'

ClinVar aggregate classification (germline): Uncertain significance (1 of 4 stars; one submission).

Submission:

GeneDx
Classification: Uncertain significance. Last evaluated: 2014-04-10. Review status: criteria provided, single submitter. Criteria: GeneDx Variant Classification (06012015). Collection method: clinical testing. Allele origin: germline. Affected: yes.
Comment: c.83_87delinsAGGA: p.Arg28GlnfsX22 (R28QfsX22) in exon 2 of the TMEM43 gene (NM_024334.2). The normal sequence with the bases that are deleted/inserted in braces is: GAAC{delGGCTGinsAGGA}AGCG.Although the c.83_87delinsAGGA variant in the TMEM43 gene has not been reported to our knowledge, this variant causes a shift in reading frame starting at codon Arginine 28, changing it to a Glutamine, and creating a premature stop codon at position 22 of the new reading frame, denoted p.Arg28GlnfsX22. This variant is expected to result in either an abnormal, truncated protein product or loss of protein from this allele through nonsense-mediated mRNA decay. Nevertheless, no other frameshift variants have been reported in the TMEM43 gene in association with ARVC. With the clinical and molecular information available at this time, we cannot definitively determine if c.83_87delinsAGGA is a disease-causing mutation or a rare benign variant. The variant is found in ARVC panel(s).